The following is an entry in ClinVar:

ClinVar aggregate classification (germline): Uncertain significance (1 of 4 stars; one submission).

Conditions:
PDE10A-related disorder. Also called: PDE10A-related condition.

Submission:

PreventionGenetics, part of Exact Sciences
Classification: Uncertain significance for PDE10A-related condition. Last evaluated: 2023-02-09. Review status: criteria provided, single submitter. Criteria: ACMG Guidelines, 2015. Collection method: clinical testing. Allele origin: germline.
Comment: The PDE10A c.2030_2031delinsGG variant is predicted to result in an in-frame deletion and insertion. To our knowledge, this variant has not been reported in the literature or in a large population database, indicating this variant is rare. At this time, the clinical significance of this variant is uncertain due to the absence of conclusive functional and genetic evidence.

NM_001385079.1(PDE10A):c.2828_2829delinsGG (p.Ser943Trp)

Gene: PDE10A (phosphodiesterase 10A; minus strand). Cytogenetic location: 6q27.
Variant type: Indel.
Coding change: c.2828_2829delinsGG on transcript NM_001385079.1 (MANE Select); coding-DNA positions 2828 to 2829, CT replaced by GG.
Protein change: p.Ser943Trp; replaces serine 943 with tryptophan.
Molecular consequence: missense variant.
Genome position (GRCh38, 1-based): chr6:165,343,457-165,343,458, AG replaced by CC on the plus strand (CT replaced by GG on the coding strand, the reverse complement: PDE10A is on the minus strand). VCF-style: chr6-165343457-AG-CC. GRCh37 (hg19) VCF-style: chr6-165756946-AG-CC.
Other names: c.2030_2031delinsGG, p.Ser677Trp (NM_001130690.3); c.2000_2001delinsGG, p.Ser667Trp (NM_006661.4); short protein forms S667W, S677W, S943W.
Identifiers: ClinVar variation 2630341 (VCV002630341.1), dbSNP rs2483700133, ClinGen allele CA2695198386.